The following is an entry in ClinVar:

NM_152703.5(SAMD9L):c.566C>A (p.Ala189Glu)

Gene: SAMD9L (sterile alpha motif domain containing 9 like; minus strand). Cytogenetic location: 7q21.2.
Variant type: single nucleotide variant.
Coding change: c.566C>A on transcript NM_152703.5 (MANE Select); coding-DNA position 566, C replaced by A.
Protein change: p.Ala189Glu; replaces alanine 189 with glutamic acid.
Molecular consequence: missense variant.
Genome position (GRCh38, 1-based): chr7:93,135,406, G>T on the plus strand (C>A on the coding strand, the complement: SAMD9L is on the minus strand). VCF-style: chr7-93135406-G-T. GRCh37 (hg19) VCF-style: chr7-92764719-G-T.
Other names: c.566C>A, p.Ala189Glu (NM_001303496.3, NM_001303497.3, NM_001303498.3 and 5 more transcripts); short protein forms A189E.
Identifiers: ClinVar variation 3792404 (VCV003792404.1).

ClinVar aggregate classification (germline): Uncertain significance (1 of 4 stars; one submission).

Conditions:
Inborn genetic diseases. Identifiers: MedGen C0950123, MeSH D030342.

gnomAD v4.1: 1 of 1,614,082 alleles (0.000062%); highest among the groups gnomAD compares: Non-Finnish European, 0.000085%; no homozygotes.

Submission:

Ambry Genetics
Classification: Uncertain significance for Inborn genetic diseases. Last evaluated: 2025-02-08. Review status: criteria provided, single submitter. Criteria: Ambry Variant Classification Scheme 2023. Collection method: clinical testing. Allele origin: germline.
Comment: The p.A189E variant (also known as c.566C>A), located in coding exon 1 of the SAMD9L gene, results from a C to A substitution at nucleotide position 566. The alanine at codon 189 is replaced by glutamic acid, an amino acid with dissimilar properties. This amino acid position is conserved. In addition, this alteration is predicted to be tolerated by in silico analysis. Based on the available evidence, the clinical significance of this variant remains unclear.